The following is an entry in ClinVar:

NM_000059.4(BRCA2):c.3116C>T (p.Pro1039Leu)

Gene: BRCA2 (BRCA2 DNA repair associated; plus strand). Cytogenetic location: 13q13.1.
Variant type: single nucleotide variant.
Coding change: c.3116C>T on transcript NM_000059.4 (MANE Select); coding-DNA position 3116, C replaced by T.
Protein change: p.Pro1039Leu; replaces proline 1039 with leucine.
Molecular consequence: missense variant.
Genome position (GRCh38, 1-based): chr13:32,337,471, C>T. VCF-style: chr13-32337471-C-T. GRCh37 (hg19) VCF-style: chr13-32911608-C-T.
Other names: short protein forms P1039L.
Identifiers: ClinVar variation 1049505 (VCV001049505.3), dbSNP rs867544010, ClinGen allele CA247503749.
Genomic context (GRCh38, chr13:32,337,471, plus strand): 5'-TCTCTGAACATAACATTAAGAAGAGCAAAATGTTCTTCAAAGATATTGAAGAACAATATC[C>T]TACTAGTTTAGCTTGTGTTGAAATTGTAAATACCTTGGCATTAGATAATCAAAAGAAACT-3'
Protein context (NP_000050.3, residues 1029-1049): MFFKDIEEQY[Pro1039Leu]TSLACVEIVN

ClinVar aggregate classification (germline): Likely benign. Review status: criteria provided, single submitter (1 of 4 stars). 2 submissions from 2 submitters: Likely benign (1). 1 of the submissions does not count toward it. Last evaluated 2023-03-23.

Conditions:
Hereditary cancer-predisposing syndrome. Also called: Hereditary Cancer Syndrome; Tumor predisposition; Hereditary neoplastic syndrome; Neoplastic Syndromes, Hereditary. Identifiers: Orphanet 140162, MedGen C0027672, MeSH D009386, MONDO:0015356.
Breast-ovarian cancer, familial, susceptibility to, 2 (BROVCA2). Also called: BRCA2 Hereditary Breast and Ovarian Cancer. Identifiers: Orphanet 145, MedGen C2675520, MONDO:0012933, OMIM 612555. Disease mechanism: loss of function.

Submissions (2):

University of Washington Department of Laboratory Medicine, University of Washington
Classification: Likely benign for Hereditary cancer-predisposing syndrome. Last evaluated: 2023-03-23. Review status: criteria provided, single submitter. Criteria: Dines et al. (Genet Med. 2020). Collection method: curation. Allele origin: germline.
Comment: Missense variant in a coldspot region where missense variants are very unlikely to be pathogenic (PMID:31911673).

BRCA2 exon 11 coldspot. Reclassification based on statistical prior probability.

Department of Pathology and Laboratory Medicine, Sinai Health System
Classification: Uncertain significance for Breast-ovarian cancer, familial, susceptibility to, 2. Review status: no assertion criteria provided. Collection method: clinical testing. Allele origin: unknown. Affected: yes. Study: The Canadian Open Genetics Repository (COGR). Not counted in ClinVar's aggregate classification.
Comment: The BRCA2 p.Pro1039Leu variant was not identified in the literature nor was it identified in the LOVD 3.0, or UMD-LSDB, databases. The variant was identified in dbSNP (ID: rs867544010) as "With Uncertain significance allele", and ClinVar (classified as uncertain significance by Ambry Genetics). The variant was not identified in the following control databases: the Exome Aggregation Consortium (August 8th 2016), or the Genome Aggregation Database (Feb 27, 2017). The p.Pro1039 residue is not conserved in mammals and computational analyses (PolyPhen-2, SIFT, AlignGVGD, BLOSUM, MutationTaster) provide inconsistent predictions regarding the impact to the protein; this information is not very predictive of pathogenicity. The variant occurs outside of the splicing consensus sequence and in silico or computational prediction software programs (SpliceSiteFinder, MaxEntScan, NNSPLICE, GeneSplicer) do not predict a difference in splicing. In summary, based on the above information the clinical significance of this variant cannot be determined with certainty at this time. This variant is classified as a variant of uncertain significance.